The following is an entry in ClinVar:

ClinVar aggregate classification (germline): Likely benign (1 of 4 stars; one submission).

Conditions:
SRD5A3-congenital disorder of glycosylation. Also called: COLOBOMA, OCULAR, WITH ICHTHYOSIS, BRAIN MALFORMATIONS, AND ENDOCRINE ABNORMALITIES; CDG Iq; Ocular colobomas, ichthyosis, brain malformations and endocrine abnormalities; Congenital disorder of glycosylation type 1Q; SRD5A3-CDG. Identifiers: Orphanet 324737, MedGen C4317224, MONDO:0012885, OMIM 612379.

Allele frequency attached by ClinVar (database versions not stated): gnomAD 0.00091 and 0.00096; 1000 Genomes Project 30x 0.00094; 1000 Genomes Project 0.00100; TOPMed 0.00104.

Submission:

Illumina Laboratory Services, Illumina
Classification: Likely benign for SRD5A3-congenital disorder of glycosylation. Last evaluated: 2017-04-27. Review status: criteria provided, single submitter. Criteria: ICSL Variant Classification Criteria 13 December 2019. Collection method: clinical testing. Allele origin: germline.
Comment: This variant was observed as part of a predisposition screen in an ostensibly healthy population. A literature search was performed for the gene, cDNA change, and amino acid change (where applicable). No publications were found based on this search. Allele frequency data from public databases allowed determination this variant is unlikely to cause disease. Therefore, this variant is classified as likely benign.

NM_024592.5(SRD5A3):c.*621C>T

Genes: SRD5A3 (steroid 5 alpha-reductase 3; plus strand), SRD5A3-AS1 (SRD5A3 antisense RNA 1; minus strand). Cytogenetic location: 4q12.
Variant type: single nucleotide variant.
Coding change: c.*621C>T on transcript NM_024592.5 (MANE Select); 621 bases downstream of the stop codon, C replaced by T.
Molecular consequence: 3 prime UTR variant.
Genome position (GRCh38, 1-based): chr4:55,370,712, C>T. VCF-style: chr4-55370712-C-T. GRCh37 (hg19) VCF-style: chr4-56236879-C-T.
Identifiers: ClinVar variation 902496 (VCV000902496.4), dbSNP rs548604752, ClinGen allele CA97481845.
Genomic context (GRCh38, chr4:55,370,712, plus strand): 5'-GCAGTTCGCTTGGGCCCAAGAGTTCGAGACCAGCCTGGGCAACATGGTGAAACCCTATCT[C>T]CGTGAAAAAATATGAAAATTAGCCAAGAGTGGTGGCACATGCCTGTAGTCCCAGATACTT-3'